The following is an entry in ClinVar:

NM_006734.4(HIVEP2):c.5519-6T>G

Gene: HIVEP2 (HIVEP zinc finger 2; minus strand). Cytogenetic location: 6q24.2.
Variant type: single nucleotide variant.
Coding change: c.5519-6T>G on transcript NM_006734.4 (MANE Select); 6 bases into the intron before coding-DNA position 5519, T replaced by G.
Molecular consequence: intron variant.
Genome position (GRCh38, 1-based): chr6:142,761,571, A>C on the plus strand (T>G on the coding strand, the complement: HIVEP2 is on the minus strand). VCF-style: chr6-142761571-A-C. GRCh37 (hg19) VCF-style: chr6-143082708-A-C.
Identifiers: ClinVar variation 1314849 (VCV001314849.2), dbSNP rs2114615490, ClinGen allele CA2573052610.
Genomic context (GRCh38, chr6:142,761,571, plus strand): 5'-AATTCCAGGCATTTTTTCATGTGTGCTTTAGATTTCATATGCTTCGTTAGGTTTCCTTGA[A>C]AATGTAGCAAAAAAAAGAGAGAAATTAATTGGTTATCAAATTAATAACTGCTGATAGCTG-3'

ClinVar aggregate classification (germline): Uncertain significance (1 of 4 stars; one submission).

Submission:

GeneDx
Classification: Uncertain significance. Last evaluated: 2020-01-27. Review status: criteria provided, single submitter. Criteria: GeneDx Variant Classification Process June 2021. Collection method: clinical testing. Allele origin: germline. Affected: yes.
Comment: Not observed in large population cohorts (Lek et al., 2016); In-silico analysis, which includes splice predictors and evolutionary conservation, is inconclusive as to whether the variant alters gene splicing. In the absence of RNA/functional studies, the actual effect of this sequence change is unknown.; Has not been previously published as pathogenic or benign to our knowledge